The following is an entry in ClinVar:

NM_000539.3(RHO):c.511C>A (p.Pro171Thr)

Gene: RHO (rhodopsin; plus strand). Cytogenetic location: 3q22.1.
Variant type: single nucleotide variant.
Coding change: c.511C>A on transcript NM_000539.3 (MANE Select); coding-DNA position 511, C replaced by A.
Protein change: p.Pro171Thr; replaces proline 171 with threonine.
Molecular consequence: missense variant.
Genome position (GRCh38, 1-based): chr3:129,531,025, C>A. VCF-style: chr3-129531025-C-A. GRCh37 (hg19) VCF-style: chr3-129249868-C-A.
Other names: short protein forms P171T.
Identifiers: ClinVar variation 2831751 (VCV002831751.3), dbSNP rs104893794, ClinGen allele CA354498720.
Genomic context (GRCh38, chr3:129,531,025, plus strand): 5'-AACCATGCCATCATGGGCGTTGCCTTCACCTGGGTCATGGCGCTGGCCTGCGCCGCACCC[C>A]CACTCGCCGGCTGGTCCAGGTAATGGCACTGAGCAGAAGGGAAGAAGCTCCGGGGGCTCT-3'
Protein context (NP_000530.1, residues 161-181): WVMALACAAP[Pro171Thr]LAGWSRYIPE

ClinVar aggregate classification (germline): Uncertain significance (1 of 4 stars; one submission).

gnomAD v4.1: 1 of 1,614,054 alleles (0.000062%); highest among the groups gnomAD compares: South Asian, 0.0011%; no homozygotes.

Submission:

Labcorp Genetics (formerly Invitae), Labcorp
Classification: Uncertain significance. Last evaluated: 2023-01-24. Review status: criteria provided, single submitter. Criteria: Invitae Variant Classification Sherloc (09022015). Collection method: clinical testing. Allele origin: germline.
Comment: This sequence change replaces proline, which is neutral and non-polar, with threonine, which is neutral and polar, at codon 171 of the RHO protein (p.Pro171Thr). Advanced modeling of protein sequence and biophysical properties (such as structural, functional, and spatial information, amino acid conservation, physicochemical variation, residue mobility, and thermodynamic stability) performed at Invitae indicates that this missense variant is expected to disrupt RHO protein function. This variant has not been reported in the literature in individuals affected with RHO-related conditions. This variant is not present in population databases (gnomAD no frequency). In summary, the available evidence is currently insufficient to determine the role of this variant in disease. Therefore, it has been classified as a Variant of Uncertain Significance. This variant disrupts the p.Pro171 amino acid residue in RHO. Other variant(s) that disrupt this residue have been determined to be pathogenic (PMID: 8088850, 26962691; Invitae). This suggests that this residue is clinically significant, and that variants that disrupt this residue are likely to be disease-causing.

Literature cited by the submitters: PubMed 8088850; PubMed 26962691.